The following is an entry in ClinVar:

ClinVar aggregate classification (germline): Uncertain significance. Review status: criteria provided, multiple submitters, no conflicts (2 of 4 stars). 2 submissions from 2 submitters: Uncertain significance (2). Last evaluated 2025-11-17.

Conditions:
Hereditary cancer-predisposing syndrome. Also called: Neoplastic Syndromes, Hereditary; Tumor predisposition; Hereditary neoplastic syndrome; Hereditary Cancer Syndrome. Identifiers: Orphanet 140162, MedGen C0027672, MeSH D009386, MONDO:0015356.
Familial adenomatous polyposis 1 (FAP1). Also called: POLYPOSIS, ADENOMATOUS INTESTINAL; FAMILIAL ADENOMATOUS POLYPOSIS 1, ATTENUATED. Identifiers: MedGen C2713442, MONDO:0021056, OMIM 175100. Disease mechanism: loss of function.

Allele frequency attached by ClinVar (database versions not stated): gnomAD exomes below 0.00001.
gnomAD v4.1: 1 of 1,613,898 alleles (0.000062%); highest among the groups gnomAD compares: Non-Finnish European, 0.000085%; no homozygotes.

Submissions (2):

Labcorp Genetics (formerly Invitae), Labcorp
Classification: Uncertain significance for Familial adenomatous polyposis 1. Last evaluated: 2025-11-17. Review status: criteria provided, single submitter. Criteria: Invitae Variant Classification Sherloc (09022015). Collection method: clinical testing. Allele origin: germline.
Comment: This sequence change replaces proline, which is neutral and non-polar, with leucine, which is neutral and non-polar, at codon 1992 of the APC protein (p.Pro1992Leu). This variant is not present in population databases (gnomAD no frequency). This missense change has been observed in individual(s) with colorectal cancer (PMID: 28135145). ClinVar contains an entry for this variant (Variation ID: 826087). Invitae Evidence Modeling of protein sequence and biophysical properties (such as structural, functional, and spatial information, amino acid conservation, physicochemical variation, residue mobility, and thermodynamic stability) indicates that this missense variant is not expected to disrupt APC protein function with a negative predictive value of 95%. In summary, the available evidence is currently insufficient to determine the role of this variant in disease. Therefore, it has been classified as a Variant of Uncertain Significance.

Ambry Genetics
Classification: Uncertain significance for Hereditary cancer-predisposing syndrome. Last evaluated: 2022-10-27. Review status: criteria provided, single submitter. Criteria: Ambry Variant Classification Scheme 2023. Collection method: clinical testing. Allele origin: germline.
Comment: The p.P1992L variant (also known as c.5975C>T), located in coding exon 15 of the APC gene, results from a C to T substitution at nucleotide position 5975. The proline at codon 1992 is replaced by leucine, an amino acid with similar properties. This variant was identified in a cohort of 1058 individuals with colorectal cancer undergoing panel testing for hereditary cancer susceptibility (Yurgelun MB et al. J. Clin. Oncol., 2017 Apr;35:1086-1095). This amino acid position is not well conserved in available vertebrate species. In addition, in silico predictors for this gene do not accurately predict pathogenicity. Since supporting evidence is limited at this time, the clinical significance of this alteration remains unclear.

Literature cited by the submitters: PubMed 28135145 (cited by Labcorp Genetics (formerly Invitae), Labcorp and Ambry Genetics).

NM_000038.6(APC):c.5975C>T (p.Pro1992Leu)

Gene: APC (APC regulator of Wnt signaling pathway; plus strand). Cytogenetic location: 5q22.2.
Variant type: single nucleotide variant.
Coding change: c.5975C>T on transcript NM_000038.6 (MANE Select); coding-DNA position 5975, C replaced by T.
Protein change: p.Pro1992Leu; replaces proline 1992 with leucine.
Molecular consequence: missense variant.
Genome position (GRCh38, 1-based): chr5:112,841,569, C>T. VCF-style: chr5-112841569-C-T. GRCh37 (hg19) VCF-style: chr5-112177266-C-T.
Other names: c.5975C>T, p.Pro1992Leu (NM_001127510.3, NM_001354895.2); c.5921C>T, p.Pro1974Leu (NM_001127511.3); c.6029C>T, p.Pro2010Leu (NM_001354896.2); c.6005C>T, p.Pro2002Leu (NM_001354897.2); c.5900C>T, p.Pro1967Leu (NM_001354898.2); c.5891C>T, p.Pro1964Leu (NM_001354899.2); c.5852C>T, p.Pro1951Leu (NM_001354900.2); c.5798C>T, p.Pro1933Leu (NM_001354901.2); and 5 more; short protein forms P1891L, P1901L, P1974L, P1992L, P2010L, P1709L, P1951L, P2002L.
Identifiers: ClinVar variation 826087 (VCV000826087.15), dbSNP rs1580666303, ClinGen allele CA16034414.